The following is an entry in ClinVar:

NM_020408.6(LYRM4):c.-170C>T

Genes: FARS2 (phenylalanyl-tRNA synthetase 2, mitochondrial; plus strand), LYRM4 (LYR motif containing 4; minus strand), LOC129995673 (ATAC-STARR-seq lymphoblastoid silent region 16874; plus strand). Cytogenetic location: 6p25.1.
Variant type: single nucleotide variant.
Coding change: c.-170C>T on transcript NM_020408.6 (MANE Select); 170 bases upstream of the start codon, C replaced by T.
Molecular consequence: 5 prime UTR variant. On other transcripts: non-coding transcript variant (3).
Genome position (GRCh38, 1-based): chr6:5,260,903, G>A on the plus strand (C>T on the coding strand, the complement: LYRM4 is on the minus strand). VCF-style: chr6-5260903-G-A. GRCh37 (hg19) VCF-style: chr6-5261136-G-A.
Other names: c.-170C>T (NM_001164840.3, NM_001164841.3, NM_001318782.1 and 1 more transcripts).
Identifiers: ClinVar variation 676278 (VCV000676278.1), dbSNP rs2224392, ClinGen allele CA12222826.

ClinVar aggregate classification (germline): Benign (1 of 4 stars; one submission).

Allele frequency attached by ClinVar (database versions not stated): gnomAD 0.25597 and 0.26105; 1000 Genomes Project 0.26558; 1000 Genomes Project 30x 0.26796; TOPMed 0.27136.
gnomAD v4.1: 269,625 of 1,382,558 alleles (20%); highest among the groups gnomAD compares: African/African-American, 42%; 28,723 homozygotes.

Submission:

GeneDx
Classification: Benign. Last evaluated: 2018-06-14. Review status: criteria provided, single submitter. Criteria: GeneDx Variant Classification (06012015). Collection method: clinical testing. Allele origin: germline. Affected: yes.
Comment: This variant is considered likely benign or benign based on one or more of the following criteria: it is a conservative change, it occurs at a poorly conserved position in the protein, it is predicted to be benign by multiple in silico algorithms, and/or has population frequency not consistent with disease.